The following is an entry in ClinVar:

ClinVar aggregate classification (germline): Likely benign (1 of 4 stars; one submission).

Conditions:
Cardiomyopathy (CMYO). Also called: Cardiomyopathies. Identifiers: Orphanet 167848, MedGen C0878544, MONDO:0004994, HP:0001638. Inheritance: Various modes of inheritance.

Submission:

All of Us Research Program, National Institutes of Health
Classification: Likely benign for Cardiomyopathy. Last evaluated: 2024-02-05. Review status: criteria provided, single submitter. Criteria: ACMG Guidelines, 2015. Collection method: clinical testing. Allele origin: germline. Inheritance: Autosomal dominant inheritance. Observed: 1 variant allele, 1 heterozygote.
Comment: This study involves interpretation of variants in research participants for the purpose of population health screening. Participant phenotype was not available at the time of variant classification. Additional details can be found in publication PMID: 35346344, PMCID: PMC8962531

NM_000257.4(MYH7):c.3417G>C (p.Leu1139=)

Gene: MYH7 (myosin heavy chain 7; minus strand). Cytogenetic location: 14q11.2.
Variant type: single nucleotide variant.
Coding change: c.3417G>C on transcript NM_000257.4 (MANE Select); coding-DNA position 3417, G replaced by C.
Protein change: p.Leu1139=; no amino-acid change (leucine 1139 retained).
Molecular consequence: synonymous variant.
Genome position (GRCh38, 1-based): chr14:23,420,154, C>G on the plus strand (G>C on the coding strand, the complement: MYH7 is on the minus strand). VCF-style: chr14-23420154-C-G. GRCh37 (hg19) VCF-style: chr14-23889363-C-G.
Other names: c.3417G>C, p.Leu1139= (NM_001407004.1).
Identifiers: ClinVar variation 3075430 (VCV003075430.1), dbSNP rs2502265074, ClinGen allele CA485621345.
Genomic context (GRCh38, chr14:23,420,154, plus strand): 5'-CACGGACGTGGCCCCGCCGGCCTCTTCCAGCCGCTCGCTGATCTCCTCCAGCTCCCGAGA[C>G]AGGTCTGAGCGCAGCTTCTCCACCTTAGCCCTGGCGGTGCGCTCGGCCTCCAGCTCCTCC-3'
Protein context (NP_000248.2, residues 1129-1149): RAKVEKLRSD[Leu1139=]SRELEEISER